The following is an entry in ClinVar:

ClinVar aggregate classification (germline): Uncertain significance (1 of 4 stars; one submission).

Conditions:
Familial hemophagocytic lymphohistiocytosis 3 (FHL3). Also called: UNC13D-Related Familial Hemophagocytic Lymphohistiocytosis (UNC13D-fHLH). Identifiers: Orphanet 540, MedGen C1837174, MONDO:0012146, OMIM 608898.

Allele frequency attached by ClinVar (database versions not stated): ExAC 0.00001; gnomAD exomes 0.00001; TOPMed 0.00001; gnomAD 0.00003; 1000 Genomes Project 0.00020; 1000 Genomes Project 30x 0.00031.
gnomAD v4.1: 16 of 1,611,702 alleles (0.00099%); highest among the groups gnomAD compares: Admixed American, 0.005%; no homozygotes.

Submission:

Labcorp Genetics (formerly Invitae), Labcorp
Classification: Uncertain significance for Familial hemophagocytic lymphohistiocytosis 3. Last evaluated: 2022-06-22. Review status: criteria provided, single submitter. Criteria: Invitae Variant Classification Sherloc (09022015). Collection method: clinical testing. Allele origin: germline.
Comment: This sequence change replaces aspartic acid, which is acidic and polar, with asparagine, which is neutral and polar, at codon 133 of the UNC13D protein (p.Asp133Asn). This variant is present in population databases (rs534150507, gnomAD 0.003%). This variant has not been reported in the literature in individuals affected with UNC13D-related conditions. Algorithms developed to predict the effect of missense changes on protein structure and function are either unavailable or do not agree on the potential impact of this missense change (SIFT: "Not Available"; PolyPhen-2: "Probably Damaging"; Align-GVGD: "Not Available"). Experimental studies are conflicting or provide insufficient evidence to determine the effect of this variant on UNC13D function (PMID: 22508512, 29930202). In summary, the available evidence is currently insufficient to determine the role of this variant in disease. Therefore, it has been classified as a Variant of Uncertain Significance.

Literature cited by the submitters: PubMed 22508512; PubMed 29930202.

NM_199242.3(UNC13D):c.397G>A (p.Asp133Asn)

Gene: UNC13D (unc-13 homolog D; minus strand). Cytogenetic location: 17q25.1.
Variant type: single nucleotide variant.
Coding change: c.397G>A on transcript NM_199242.3 (MANE Select); coding-DNA position 397, G replaced by A.
Protein change: p.Asp133Asn; replaces aspartic acid 133 with asparagine.
Molecular consequence: missense variant.
Genome position (GRCh38, 1-based): chr17:75,842,605, C>T on the plus strand (G>A on the coding strand, the complement: UNC13D is on the minus strand). VCF-style: chr17-75842605-C-T. GRCh37 (hg19) VCF-style: chr17-73838686-C-T.
Other names: short protein forms D133N.
Identifiers: ClinVar variation 1897287 (VCV001897287.2), dbSNP rs534150507, ClinGen allele CA8773487.
Genomic context (GRCh38, chr17:75,842,605, plus strand): 5'-ACCCGGGGCTGCCCCCTGGCACACCTACCCCCTGCTCAATGCCCAGCAGGCAGTAGGGGT[C>T]GCTGAACCCTGTGGAGGAGTGGGGAAGACGAGGCAGCCAGGGAGTCGGCTGGGTCCCTGG-3'
Protein context (NP_954712.1, residues 123-143): ILGKDVSGFS[Asp133Asn]PYCLLGIEQG